The following is an entry in ClinVar:

ClinVar aggregate classification (germline): Pathogenic (1 of 4 stars; one submission).

Conditions:
Gorlin syndrome. Also called: Nevoid Basal Cell Carcinoma Syndrome; Basal cell nevus syndrome. Identifiers: Orphanet 377, MedGen C0004779, MONDO:0007187.
Medulloblastoma (MDB). Also called: MEDULLOBLASTOMA PREDISPOSITION SYNDROME; Medulloblastoma, somatic. Identifiers: Orphanet 616, MedGen C0025149, MeSH D008527, MONDO:0007959, OMIM 155255, HP:0002885.

Submission:

Labcorp Genetics (formerly Invitae), Labcorp
Classification: Pathogenic for Gorlin syndrome; Medulloblastoma. Last evaluated: 2020-08-19. Review status: criteria provided, single submitter. Criteria: Invitae Variant Classification Sherloc (09022015). Collection method: clinical testing. Allele origin: germline.
Comment: This sequence change creates a premature translational stop signal (p.Trp136*) in the SUFU gene. It is expected to result in an absent or disrupted protein product. This variant is not present in population databases (ExAC no frequency). This variant has been observed in individual(s) with medulloblastoma (PMID: 24651015). Loss-of-function variants in SUFU are known to be pathogenic (PMID: 22508808, 25403219). For these reasons, this variant has been classified as Pathogenic.

Literature cited by the submitters: PubMed 24651015; PubMed 22508808; PubMed 25403219.

NM_016169.4(SUFU):c.408G>A (p.Trp136Ter)

Gene: SUFU (SUFU negative regulator of hedgehog signaling; plus strand). Cytogenetic location: 10q24.32.
Variant type: single nucleotide variant.
Coding change: c.408G>A on transcript NM_016169.4 (MANE Select); coding-DNA position 408, G replaced by A.
Protein change: p.Trp136Ter; replaces tryptophan 136 with a stop codon.
Molecular consequence: nonsense.
Genome position (GRCh38, 1-based): chr10:102,550,060, G>A. VCF-style: chr10-102550060-G-A. GRCh37 (hg19) VCF-style: chr10-104309817-G-A.
Other names: c.408G>A, p.Trp136Ter (NM_001178133.2); short protein forms W136*.
Identifiers: ClinVar variation 1072313 (VCV001072313.9), dbSNP rs2135743382, ClinGen allele CA377903493.